The following is an entry in ClinVar:

NM_020806.5(GPHN):c.1558A>T (p.Thr520Ser)

Gene: GPHN (gephyrin; plus strand). Cytogenetic location: 14q23.3.
Variant type: single nucleotide variant.
Coding change: c.1558A>T on transcript NM_020806.5 (MANE Select); coding-DNA position 1558, A replaced by T.
Protein change: p.Thr520Ser; replaces threonine 520 with serine.
Molecular consequence: missense variant.
Genome position (GRCh38, 1-based): chr14:67,113,103, A>T. VCF-style: chr14-67113103-A-T. GRCh37 (hg19) VCF-style: chr14-67579820-A-T.
Other names: c.1459A>T, p.Thr487Ser (NM_001024218.2); c.1618A>T, p.Thr540Ser (NM_001377514.1); c.1588A>T, p.Thr530Ser (NM_001377515.1); c.1579A>T, p.Thr527Ser (NM_001377516.1); c.1531A>T, p.Thr511Ser (NM_001377517.1); c.1516A>T, p.Thr506Ser (NM_001377518.1); c.1498A>T, p.Thr500Ser (NM_001377519.1); short protein forms T520S, T487S, T500S, T506S, T511S, T527S, T530S, T540S.
Identifiers: ClinVar variation 466201 (VCV000466201.3), dbSNP rs749747472, ClinGen allele CA7234120.

ClinVar aggregate classification (germline): Uncertain significance (1 of 4 stars; one submission).

Conditions:
Sulfite oxidase deficiency due to molybdenum cofactor deficiency type C. Also called: Molybdenum cofactor deficiency C; Molybdenum cofactor deficiency, complementation group C. Identifiers: Orphanet 308400, Orphanet 833, MedGen C1854990, MONDO:0014212, OMIM 615501.

gnomAD v4.1: 8 of 1,613,844 alleles (0.0005%); highest among the groups gnomAD compares: Non-Finnish European, 0.00017%; no homozygotes.

Submission:

Labcorp Genetics (formerly Invitae), Labcorp
Classification: Uncertain significance for Sulfite oxidase deficiency due to molybdenum cofactor deficiency type C. Last evaluated: 2024-01-29. Review status: criteria provided, single submitter. Criteria: Invitae Variant Classification Sherloc (09022015). Collection method: clinical testing. Allele origin: germline.
Comment: This sequence change replaces threonine, which is neutral and polar, with serine, which is neutral and polar, at codon 520 of the GPHN protein (p.Thr520Ser). This variant is present in population databases (rs749747472, gnomAD 0.004%). This variant has not been reported in the literature in individuals affected with GPHN-related conditions. ClinVar contains an entry for this variant (Variation ID: 466201). Advanced modeling of protein sequence and biophysical properties (such as structural, functional, and spatial information, amino acid conservation, physicochemical variation, residue mobility, and thermodynamic stability) performed at Invitae indicates that this missense variant is not expected to disrupt GPHN protein function with a negative predictive value of 80%. In summary, the available evidence is currently insufficient to determine the role of this variant in disease. Therefore, it has been classified as a Variant of Uncertain Significance.